The following is an entry in ClinVar:

GRCh38/hg38 17p12(chr17:14197712-15567865)x1

Genes: CDRT15 (CMT1A duplicated region transcript 15; minus strand), CDRT3 (CMT1A duplicated region transcript 3; minus strand), CDRT4 (CMT1A duplicated region transcript 4; minus strand), CDRT7 (CMT1A duplicated region transcript 7; plus strand), CDRT8 (CMT1A duplicated region transcript 8; minus strand) and 23 more. Cytogenetic location: 17p12.
Variant type: copy number loss.
Change: copy number 1 (one copy instead of two) of chr17:14,197,712-15,567,865 (1.37 Mb, GRCh38 coordinates, 1-based), cytogenetic band 17p12.
Identifiers: ClinVar variation 4852044 (VCV004852044.1).

ClinVar aggregate classification (germline): Pathogenic (1 of 4 stars; one submission).

Submission:

Clinical Genomics Laboratory, Laboratory for Precision Diagnostics, University of Washington
Classification: Pathogenic. Last evaluated: 2022-06-17. Review status: criteria provided, single submitter. Criteria: ACMG/ClinGen CNV Guidelines, 2019. Collection method: clinical testing. Allele origin: unknown. Affected: yes. Observed: 1 variant allele.
Comment: This is the recurrent microdeletion of 17p12 that causes hereditary neuropathy with liability to pressure palsies (HNPP).